The following is an entry in ClinVar:

NM_002335.4(LRP5):c.639C>T (p.Asp213=)

Gene: LRP5 (LDL receptor related protein 5; plus strand). Cytogenetic location: 11q13.2.
Variant type: single nucleotide variant.
Coding change: c.639C>T on transcript NM_002335.4 (MANE Select); coding-DNA position 639, C replaced by T.
Protein change: p.Asp213=; no amino-acid change (aspartic acid 213 retained).
Molecular consequence: synonymous variant. On other transcripts: 5 prime UTR variant (1).
Genome position (GRCh38, 1-based): chr11:68,357,800, C>T. VCF-style: chr11-68357800-C-T. GRCh37 (hg19) VCF-style: chr11-68125268-C-T.
Other names: p.Asp213=; c.-1127C>T (NM_001291902.2).
Identifiers: ClinVar variation 196340 (VCV000196340.60), dbSNP rs150859573, ClinGen allele CA243256.

ClinVar aggregate classification (germline): Conflicting classifications of pathogenicity. Review status: criteria provided, conflicting classifications (1 of 4 stars). 6 submissions from 6 submitters: Uncertain significance (1); Likely benign (5). Last evaluated 2026-01-26.

Conditions:
LRP5-related disorder. Also called: LRP5-related condition.

Allele frequency attached by ClinVar (database versions not stated): ExAC 0.00017; TOPMed 0.00020; gnomAD 0.00021 and 0.00022; gnomAD exomes 0.00022 and 0.00032; 1000 Genomes Project 30x 0.00031; ESP Exome Variant Server 0.00031; 1000 Genomes Project 0.00040.
gnomAD v4.1: 495 of 1,613,988 alleles (0.031%); highest among the groups gnomAD compares: East Asian, 0.04%; no homozygotes.

Submissions (6):

Labcorp Genetics (formerly Invitae), Labcorp
Classification: Likely benign. Last evaluated: 2026-01-26. Review status: criteria provided, single submitter. Criteria: Invitae Variant Classification Sherloc (09022015). Collection method: clinical testing. Allele origin: germline.

CeGaT Center for Human Genetics Tuebingen
Classification: Likely benign. Last evaluated: 2026-01-01. Review status: criteria provided, single submitter. Criteria: CeGaT Center For Human Genetics Tuebingen Variant Classification Criteria Version 2. Collection method: clinical testing. Allele origin: germline. Affected: yes. Observed: 4 variant alleles.
Comment: LRP5: BP4, BP7

Mayo Clinic Laboratories, Mayo Clinic
Classification: Likely benign. Last evaluated: 2025-06-18. Review status: criteria provided, single submitter. Criteria: ACMG Guidelines, 2015. Collection method: clinical testing. Allele origin: germline. Observed: 2 variant alleles.
Comment: BP4, BP7

Blueprint Genetics
Classification: Likely benign. Last evaluated: 2024-11-04. Review status: criteria provided, single submitter. Criteria: ACMG Guidelines, 2015. Collection method: clinical testing. Allele origin: germline.

PreventionGenetics, part of Exact Sciences
Classification: Likely benign for LRP5-related condition. Last evaluated: 2024-10-11. Review status: criteria provided, single submitter. Criteria: ACMG Guidelines, 2015. Collection method: clinical testing. Allele origin: germline.
Comment: This variant is classified as likely benign based on ACMG/AMP sequence variant interpretation guidelines (Richards et al. 2015 PMID: 25741868, with internal and published modifications).

Eurofins Ntd Llc (ga)
Classification: Uncertain significance. Last evaluated: 2015-02-12. Review status: criteria provided, single submitter. Criteria: EGL Classification Definitions 2015. Collection method: clinical testing. Allele origin: germline. Observed: 2 variant alleles, 2 heterozygotes.